The following is an entry in ClinVar:

ClinVar aggregate classification (germline): Pathogenic. Review status: criteria provided, multiple submitters, no conflicts (2 of 4 stars). 2 submissions from 2 submitters: Pathogenic (2). Last evaluated 2023-11-14.

Conditions:
Hereditary cancer-predisposing syndrome. Also called: Tumor predisposition; Hereditary Cancer Syndrome; Neoplastic Syndromes, Hereditary; Hereditary neoplastic syndrome. Identifiers: Orphanet 140162, MedGen C0027672, MeSH D009386, MONDO:0015356.
Lynch syndrome 5 (LYNCH5). Also called: Colorectal cancer, hereditary nonpolyposis, type 5; Hereditary non-polyposis colorectal cancer, type 5. Identifiers: Orphanet 144, MedGen C1833477, MONDO:0013710, OMIM 614350. Disease mechanism: loss of function.

Submissions (2):

Myriad Genetics, Inc.
Classification: Pathogenic for Lynch syndrome 5. Last evaluated: 2023-11-14. Review status: criteria provided, single submitter. Criteria: Myriad Autosomal Dominant, Autosomal Recessive and X-Linked Classification Criteria (2023). Collection method: clinical testing. Allele origin: unknown.
Comment: This variant is considered pathogenic. This variant creates a termination codon and is predicted to result in premature protein truncation.

Ambry Genetics
Classification: Pathogenic for Hereditary cancer-predisposing syndrome. Last evaluated: 2022-09-07. Review status: criteria provided, single submitter. Criteria: Ambry Variant Classification Scheme 2023. Collection method: clinical testing. Allele origin: germline.
Comment: The c.2530_2534delATGTA variant, located in coding exon 4 of the MSH6 gene, results from a deletion of 5 nucleotides at nucleotide positions 2530 to 2534, causing a translational frameshift with a predicted alternate stop codon (p.M844*). This variant is considered to be rare based on population cohorts in the Genome Aggregation Database (gnomAD). This alteration is expected to result in loss of function by premature protein truncation or nonsense-mediated mRNA decay. As such, this alteration is interpreted as a disease-causing mutation.

NM_000179.3(MSH6):c.2530_2534del (p.Ile843_Met844insTer)

Gene: MSH6 (mutS homolog 6; plus strand). Cytogenetic location: 2p16.3.
Variant type: Deletion.
Coding change: c.2530_2534del on transcript NM_000179.3 (MANE Select); coding-DNA positions 2530 to 2534, 5 bases deleted (ATGTA; older notation c.2530_2534delATGTA).
Protein change: p.Ile843_Met844insTer.
Molecular consequence: nonsense. On other transcripts: frameshift variant (33).
Genome position (GRCh38, 1-based): chr2:47,800,513-47,800,517, ATGTA deleted; deleting any 5 consecutive bases within chr2:47,800,511-47,800,517 gives the same sequence; the c. name uses the placement nearest the transcript's 3' end. VCF-style (leftmost placement, unchanged base first): chr2-47800510-ATAATG-A. GRCh37 (hg19) VCF-style: chr2-48027649-ATAATG-A.
Other names: c.2233_2237delATGTA, p.Met745Terfs (NM_001406825.1, NM_001406827.1, NM_001406828.1 and 10 more transcripts); c.2362_2366delATGTA, p.Met788Terfs (NM_001406826.1); c.1624_1628delATGTA, p.Met542Terfs (NM_001406829.1, NM_001406811.1, NM_001406812.1 and 4 more transcripts); c.2140_2144del, p.Ile713_Met714insTer (NM_001281492.2); c.1624_1628del, p.Ile541_Met542insTer (NM_001281493.2, NM_001281494.2); c.2626_2630delATGTA, p.Met876Terfs (NM_001406795.1, NM_001406802.1); c.2530_2534delATGTA, p.Met844Terfs (NM_001406796.1, NM_001406798.1, NM_001406800.1 and 2 more transcripts); c.2005_2009delATGTA, p.Met669Terfs (NM_001406799.1, NM_001406806.1, NM_001406807.1); and 2 more.
Identifiers: ClinVar variation 1792688 (VCV001792688.3), dbSNP rs2530677907, ClinGen allele CA2580067941.